The following is an entry in ClinVar:

ClinVar aggregate classification (germline): Pathogenic. Review status: criteria provided, multiple submitters, no conflicts (2 of 4 stars). 2 submissions from 2 submitters: Pathogenic (2). Last evaluated 2022-05-12.

Conditions:
Hypohidrotic X-linked ectodermal dysplasia (XHED). Also called: Christ-Siemans-Touraine syndrome; ECTODERMAL DYSPLASIA, HYPOHIDROTIC, 1; CST SYNDROME; Ectodermal Dysplasia 1, Anhidrotic; ECTODERMAL DYSPLASIA 1, HYPOHIDROTIC/HAIR/TOOTH TYPE, X-LINKED; Anhidrotic ectodermal dysplasia X-linked. Identifiers: Orphanet 181, Orphanet 238468, MedGen C0162359, MONDO:0010585, OMIM 305100.

Submissions (2):

Labcorp Genetics (formerly Invitae), Labcorp
Classification: Pathogenic for Hypohidrotic X-linked ectodermal dysplasia. Last evaluated: 2022-05-12. Review status: criteria provided, single submitter. Criteria: Invitae Variant Classification Sherloc (09022015). Collection method: clinical testing. Allele origin: germline.
Comment: ClinVar contains an entry for this variant (Variation ID: 163324). This variant disrupts a region of the EDA protein in which other variant(s) (p.Ala367Valfs*10) have been determined to be pathogenic (Invitae). This suggests that this is a clinically significant region of the protein, and that variants that disrupt it are likely to be disease-causing. This premature translational stop signal has been observed in individual(s) with ectodermal dysplasia (PMID: 23553579). This variant is not present in population databases (gnomAD no frequency). This sequence change creates a premature translational stop signal (p.Gln331*) in the EDA gene. While this is not anticipated to result in nonsense mediated decay, it is expected to disrupt the last 61 amino acid(s) of the EDA protein. For these reasons, this variant has been classified as Pathogenic.

Laboratory for Molecular Medicine, Mass General Brigham Personalized Medicine
Classification: Pathogenic for Hypohidrotic X-linked ectodermal dysplasia. Last evaluated: 2014-05-05. Review status: criteria provided, single submitter. Criteria: LMM Criteria. Collection method: clinical testing. Allele origin: germline. Inheritance: X-linked inheritance. Observed: 1 variant allele.
Comment: The Gln331X variant in EDA has been previously reported in one individual with X -linked hypohidrotic ectodermal dysplasia (XLHED; Dietz 2013). The Gln331X nonse nse variant leads to a premature termination codon at position 331, which is pre dicted to lead to a truncated or absent protein. Loss of function of the EDA gen e is an established disease mechanism in XLHED. In summary, this variant meets o ur criteria to be classified as pathogenic.

Literature cited by the submitters: PubMed 23553579 (cited by Labcorp Genetics (formerly Invitae), Labcorp and Laboratory for Molecular Medicine, Mass General Brigham Personalized Medicine); PubMed 8696334 (cited by Laboratory for Molecular Medicine, Mass General Brigham Personalized Medicine); PubMed 11378824 (cited by Laboratory for Molecular Medicine, Mass General Brigham Personalized Medicine); PubMed 21357618 (cited by Laboratory for Molecular Medicine, Mass General Brigham Personalized Medicine).

NM_001399.5(EDA):c.991C>T (p.Gln331Ter)

Gene: EDA (ectodysplasin A; plus strand). Cytogenetic location: Xq13.1.
Variant type: single nucleotide variant.
Coding change: c.991C>T on transcript NM_001399.5 (MANE Select); coding-DNA position 991, C replaced by T.
Protein change: p.Gln331Ter; replaces glutamine 331 with a stop codon.
Molecular consequence: nonsense.
Genome position (GRCh38, 1-based): chrX:70,035,424, C>T. VCF-style: chrX-70035424-C-T. GRCh37 (hg19) VCF-style: chrX-69255274-C-T.
Other names: c.985C>T, p.Gln329Ter (NM_001005609.2); c.976C>T, p.Gln326Ter (NM_001005612.3); short protein forms Q331*, Q326*, Q329*.
Identifiers: ClinVar variation 163324 (VCV000163324.11), dbSNP rs727503011, ClinGen allele CA273147.